The following is an entry in ClinVar:

ClinVar aggregate classification (germline): Likely benign. Review status: criteria provided, multiple submitters, no conflicts (2 of 4 stars). 2 submissions from 2 submitters: Likely benign (2). Last evaluated 2026-01-15.

Conditions:
FAM111A-related disorder. Also called: FAM111A-related condition.

Allele frequency attached by ClinVar (database versions not stated): ExAC 0.00001; TOPMed 0.00003; gnomAD exomes 0.00005.
gnomAD v4.1: 82 of 1,614,100 alleles (0.0051%); highest among the groups gnomAD compares: Non-Finnish European, 0.0064%; no homozygotes.

Submissions (2):

PreventionGenetics, part of Exact Sciences
Classification: Likely benign for FAM111A-related condition. Last evaluated: 2026-01-15. Review status: criteria provided, single submitter. Criteria: ACMG Guidelines, 2015. Collection method: clinical testing. Allele origin: germline.
Comment: This variant is classified as likely benign based on ACMG/AMP sequence variant interpretation guidelines (Richards et al. 2015 PMID: 25741868, with internal and published modifications).

Labcorp Genetics (formerly Invitae), Labcorp
Classification: Likely benign. Last evaluated: 2024-09-23. Review status: criteria provided, single submitter. Criteria: Invitae Variant Classification Sherloc (09022015). Collection method: clinical testing. Allele origin: germline.

NM_001312909.2(FAM111A):c.990T>C (p.His330=)

Genes: FAM111A (FAM111 trypsin like peptidase A; plus strand), LOC130005740 (ATAC-STARR-seq lymphoblastoid active region 4748; plus strand). Cytogenetic location: 11q12.1.
Variant type: single nucleotide variant.
Coding change: c.990T>C on transcript NM_001312909.2 (MANE Select); coding-DNA position 990, T replaced by C.
Protein change: p.His330=; no amino-acid change (histidine 330 retained).
Molecular consequence: synonymous variant.
Genome position (GRCh38, 1-based): chr11:59,152,658, T>C. VCF-style: chr11-59152658-T-C. GRCh37 (hg19) VCF-style: chr11-58920131-T-C.
Other names: c.990T>C, p.His330= (NM_001142519.3, NM_001142520.3, NM_001142521.3 and 29 more transcripts); c.990T>C (NM_022074.3).
Identifiers: ClinVar variation 2052782 (VCV002052782.5), dbSNP rs766364962, ClinGen allele CA6016683.